The following is an entry in ClinVar:

NM_001378454.1(ALMS1):c.36GGA[11] (p.Glu27_Glu28del)

Gene: ALMS1 (ALMS1 centrosome and basal body associated protein; plus strand). Cytogenetic location: 2p13.1.
Variant type: Microsatellite.
Coding change: c.36GGA[11] on transcript NM_001378454.1 (MANE Select); 11 copies in a row of the 3-base unit GGA starting at c.36; the reference has 13 copies in a row; two copies, 6 bases deleted.
Protein change: p.Glu27_Glu28del.
Molecular consequence: inframe deletion.
Genome position (GRCh38, 1-based): chr2:73,385,937-73,385,942, GGAGGA deleted; deleting any 6 consecutive bases within chr2:73,385,904-73,385,942 gives the same sequence; the position shown is the placement nearest the transcript's 3' end. VCF-style (leftmost placement, unchanged base first): chr2-73385903-TGGAGGA-T. GRCh37 (hg19) VCF-style: chr2-73613031-TGGAGGA-T.
Other names: c.36GGA[12], p.Glu28_Glu29del (NM_015120.4); c.69_74delGGAGGA (NM_001378454.1); c.69_77delGGAGGAGGA (NM_015120.4); c.66_74delGGAGGAGGA (NM_015120.4).
Identifiers: ClinVar variation 221075 (VCV000221075.23), dbSNP rs55889738, ClinGen allele CA248834.

ClinVar aggregate classification (germline): Benign. Review status: criteria provided, multiple submitters, no conflicts (2 of 4 stars). 10 submissions from 10 submitters: Benign (7). 3 of the submissions do not count toward it. Last evaluated 2026-02-04.

Conditions:
Cardiovascular phenotype. Identifiers: MedGen CN230736.
Alstrom syndrome (ALMS). Identifiers: Orphanet 64, MedGen C0268425, MONDO:0008763, OMIM 203800.

Submissions (10):

Labcorp Genetics (formerly Invitae), Labcorp
Classification: Benign for Alstrom syndrome. Last evaluated: 2026-02-04. Review status: criteria provided, single submitter. Criteria: Invitae Variant Classification Sherloc (09022015). Collection method: clinical testing. Allele origin: germline.

Blueprint Genetics
Classification: Benign. Last evaluated: 2024-11-26. Review status: criteria provided, single submitter. Criteria: ACMG Guidelines, 2015. Collection method: clinical testing. Allele origin: germline.

Molecular Genetics, Royal Melbourne Hospital
Classification: Benign for Alstrom syndrome. Last evaluated: 2023-06-06. Review status: criteria provided, single submitter. Criteria: ACMG Guidelines, 2015. Collection method: clinical testing. Allele origin: germline. Inheritance: Autosomal recessive inheritance.

Genome-Nilou Lab
Classification: Benign for Alstrom syndrome. Last evaluated: 2021-07-14. Review status: criteria provided, single submitter. Criteria: ACMG Guidelines, 2015. Collection method: clinical testing. Allele origin: germline. Affected: no.

Ambry Genetics
Classification: Benign for Cardiovascular phenotype. Last evaluated: 2018-11-19. Review status: criteria provided, single submitter. Criteria: Ambry Variant Classification Scheme 2023. Collection method: clinical testing. Allele origin: germline.

Genetic Services Laboratory, University of Chicago
Classification: Benign. Last evaluated: 2018-09-04. Review status: criteria provided, single submitter. Criteria: ACMG Guidelines, 2015. Collection method: clinical testing. Allele origin: germline. Affected: no.

GeneDx
Classification: Benign. Last evaluated: 2016-09-16. Review status: criteria provided, single submitter. Criteria: GeneDx Variant Classification Process June 2021. Collection method: clinical testing. Allele origin: germline. Affected: yes.
Comment: This variant is associated with the following publications: (PMID: 24122612, 25468891)

Clinical Genetics DNA and cytogenetics Diagnostics Lab, Erasmus MC, Erasmus Medical Center
Classification: Benign. Review status: no assertion criteria provided. Collection method: clinical testing. Allele origin: germline. Affected: yes. Study: VKGL Data-share Consensus. Not counted in ClinVar's aggregate classification.

Genome Diagnostics Laboratory, University Medical Center Utrecht
Classification: Benign. Review status: no assertion criteria provided. Collection method: clinical testing. Allele origin: germline. Affected: yes. Study: VKGL Data-share Consensus. Not counted in ClinVar's aggregate classification.

Laboratory of Diagnostic Genome Analysis, Leiden University Medical Center (LUMC)
Classification: Likely benign. Review status: no assertion criteria provided. Collection method: clinical testing. Allele origin: germline. Affected: yes. Study: VKGL Data-share Consensus. Not counted in ClinVar's aggregate classification.